The following is an entry in ClinVar:

ClinVar aggregate classification (germline): Uncertain significance (1 of 4 stars; one submission).

Conditions:
Hereditary spastic paraplegia 4. Also called: Spastic Paraplegia 4; Familial spastic paraplegia autosomal dominant 2; Spastic paraplegia 4, autosomal dominant. Identifiers: Orphanet 100985, MedGen C1866855, MONDO:0008438, OMIM 182601.

Allele frequency attached by ClinVar (database versions not stated): gnomAD exomes 0.00001; TOPMed 0.00001.
gnomAD v4.1: 17 of 1,551,444 alleles (0.0011%); highest among the groups gnomAD compares: Non-Finnish European, 0.0014%; no homozygotes.

Submission:

Centre for Mendelian Genomics, University Medical Centre Ljubljana
Classification: Uncertain significance for Hereditary spastic paraplegia 4. Last evaluated: 2016-01-01. Review status: criteria provided, single submitter. Criteria: ACMG Guidelines, 2015. Collection method: clinical testing. Allele origin: unknown. Affected: yes.
Comment: This variant was classified as: Uncertain significance. The following ACMG criteria were applied in classifying this variant: PP3.

NM_014946.4(SPAST):c.343C>T (p.Arg115Cys)

Gene: SPAST (spastin; plus strand). Cytogenetic location: 2p22.3.
Variant type: single nucleotide variant.
Coding change: c.343C>T on transcript NM_014946.4 (MANE Select); coding-DNA position 343, C replaced by T.
Protein change: p.Arg115Cys; replaces arginine 115 with cysteine.
Molecular consequence: missense variant.
Genome position (GRCh38, 1-based): chr2:32,064,174, C>T. VCF-style: chr2-32064174-C-T. GRCh37 (hg19) VCF-style: chr2-32289243-C-T.
Other names: c.343C>T, p.Arg115Cys (NM_001363823.2, NM_001363875.2, NM_001377959.1 and 1 more transcripts); short protein forms R115C.
Identifiers: ClinVar variation 930403 (VCV000930403.3), dbSNP rs1272546651, ClinGen allele CA346602356.